The following is an entry in ClinVar:

NM_000814.6(GABRB3):c.701C>T (p.Ser234Leu)

Gene: GABRB3 (gamma-aminobutyric acid type A receptor subunit beta3; minus strand). Cytogenetic location: 15q12.
Variant type: single nucleotide variant.
Coding change: c.701C>T on transcript NM_000814.6 (MANE Select); coding-DNA position 701, C replaced by T.
Protein change: p.Ser234Leu; replaces serine 234 with leucine.
Molecular consequence: missense variant.
Genome position (GRCh38, 1-based): chr15:26,567,715, G>A on the plus strand (C>T on the coding strand, the complement: GABRB3 is on the minus strand). VCF-style: chr15-26567715-G-A. GRCh37 (hg19) VCF-style: chr15-26812862-G-A.
Other names: c.446C>T, p.Ser149Leu (NM_001191320.2, NM_001278631.2); c.488C>T, p.Ser163Leu (NM_001191321.3); c.701C>T, p.Ser234Leu (NM_021912.5); short protein forms S234L, S149L, S163L.
Identifiers: ClinVar variation 572302 (VCV000572302.8), dbSNP rs1567113254, ClinGen allele CA391463387.

ClinVar aggregate classification (germline): Uncertain significance (1 of 4 stars; one submission).

Conditions:
Epilepsy, childhood absence, susceptibility to, 1. Also called: Epilepsy, childhood absence 1. Identifiers: Orphanet 64280, MedGen C1838604, MONDO:0020759, OMIM 600131.
Epilepsy, childhood absence, susceptibility to, 5. Identifiers: Orphanet 64280, MedGen C2677087, MONDO:0012843, OMIM 612269.

Submission:

Labcorp Genetics (formerly Invitae), Labcorp
Classification: Uncertain significance for Epilepsy, childhood absence, susceptibility to, 5; Epilepsy, childhood absence, susceptibility to, 1. Last evaluated: 2018-04-25. Review status: criteria provided, single submitter. Criteria: Invitae Variant Classification Sherloc (09022015). Collection method: clinical testing. Allele origin: germline.
Comment: In summary, the available evidence is currently insufficient to determine the role of this variant in disease. Therefore, it has been classified as a Variant of Uncertain Significance. Algorithms developed to predict the effect of missense changes on protein structure and function (SIFT, PolyPhen-2, Align-GVGD) all suggest that this variant is likely to be disruptive, but these predictions have not been confirmed by published functional studies and their clinical significance is uncertain. This variant has not been reported in the literature in individuals with GABRB3-related disease. This variant is not present in population databases (ExAC no frequency). This sequence change replaces serine with leucine at codon 234 of the GABRB3 protein (p.Ser234Leu). The serine residue is highly conserved and there is a large physicochemical difference between serine and leucine.